The following is an entry in ClinVar:

NM_000135.4(FANCA):c.1969C>G (p.Leu657Val)

Gene: FANCA (FA complementation group A; minus strand). Cytogenetic location: 16q24.3.
Variant type: single nucleotide variant.
Coding change: c.1969C>G on transcript NM_000135.4 (MANE Select); coding-DNA position 1969, C replaced by G.
Protein change: p.Leu657Val; replaces leucine 657 with valine.
Molecular consequence: missense variant.
Genome position (GRCh38, 1-based): chr16:89,773,316, G>C on the plus strand (C>G on the coding strand, the complement: FANCA is on the minus strand). VCF-style: chr16-89773316-G-C. GRCh37 (hg19) VCF-style: chr16-89839724-G-C.
Other names: c.1969C>G, p.Leu657Val (NM_001286167.3); short protein forms L657V.
Identifiers: ClinVar variation 4870894 (VCV004870894.1).

ClinVar aggregate classification (germline): Uncertain significance (1 of 4 stars; one submission).

Conditions:
Inborn genetic diseases. Identifiers: MedGen C0950123, MeSH D030342.

Submission:

Ambry Genetics
Classification: Uncertain significance for Inborn genetic diseases. Last evaluated: 2026-05-30. Review status: criteria provided, single submitter. Criteria: Ambry Variant Classification Scheme 2023. Collection method: clinical testing. Allele origin: germline.
Comment: The p.L657V variant (also known as c.1969C>G), located in coding exon 22 of the FANCA gene, results from a C to G substitution at nucleotide position 1969. The leucine at codon 657 is replaced by valine, an amino acid with highly similar properties. This amino acid position is conserved. In addition, the in silico prediction for this alteration is inconclusive. Based on the available evidence, the clinical significance of this variant remains unclear.